The following is an entry in ClinVar:

NM_001385875.1(ZFYVE27):c.41G>A (p.Ser14Asn)

Gene: ZFYVE27 (zinc finger FYVE-type containing 27; plus strand). Cytogenetic location: 10q24.2.
Variant type: single nucleotide variant.
Coding change: c.41G>A on transcript NM_001385875.1 (MANE Select); coding-DNA position 41, G replaced by A.
Protein change: p.Ser14Asn; replaces serine 14 with asparagine.
Molecular consequence: missense variant. On other transcripts: 5 prime UTR variant (13), non-coding transcript variant (17), intron variant (5).
Genome position (GRCh38, 1-based): chr10:97,738,518, G>A. VCF-style: chr10-97738518-G-A. GRCh37 (hg19) VCF-style: chr10-99498275-G-A.
Other names: c.41G>A, p.Ser14Asn (NM_001002261.4, NM_001002262.4, NM_001174119.2 and 24 more transcripts); c.-139G>A (NM_001385890.1, NM_001385893.1, NM_001385895.1 and 2 more transcripts); c.-126G>A (NM_001385899.1, NM_001385900.1, NM_001385903.1 and 4 more transcripts); c.-154G>A (NM_001385915.1); c.-8+1197G>A (NM_001385891.1, NM_001385894.1, NM_001385892.1 and 1 more transcripts); c.-27+1197G>A (NM_001174121.2); short protein forms S14N.
Identifiers: ClinVar variation 4753996 (VCV004753996.1).

ClinVar aggregate classification (germline): Uncertain significance (1 of 4 stars; one submission).

Conditions:
Spastic paraplegia. Identifiers: MedGen C0037772, HP:0001258.

Submission:

Labcorp Genetics (formerly Invitae), Labcorp
Classification: Uncertain significance for Spastic paraplegia. Last evaluated: 2025-05-19. Review status: criteria provided, single submitter. Criteria: Invitae Variant Classification Sherloc (09022015). Collection method: clinical testing. Allele origin: germline.
Comment: This sequence change replaces serine, which is neutral and polar, with asparagine, which is neutral and polar, at codon 14 of the ZFYVE27 protein (p.Ser14Asn). This variant is not present in population databases (gnomAD no frequency). This variant has not been reported in the literature in individuals affected with ZFYVE27-related conditions. An algorithm developed to predict the effect of missense changes on protein structure and function (PolyPhen-2) suggests that this variant is likely to be disruptive. In summary, the available evidence is currently insufficient to determine the role of this variant in disease. Therefore, it has been classified as a Variant of Uncertain Significance.